The following is an entry in ClinVar:

ClinVar aggregate classification (germline): Uncertain significance. Review status: criteria provided, multiple submitters, no conflicts (2 of 4 stars). 2 submissions from 2 submitters: Uncertain significance (2). Last evaluated 2025-06-05.

Conditions:
Thoracic aortic aneurysm or dissection.

Submissions (2):

NHS Central & South Genomic Laboratory Hub
Classification: Uncertain significance for Thoracic aortic aneurysm or dissection. Last evaluated: 2025-06-05. Review status: criteria provided, single submitter. Criteria: ACMG Guidelines, 2015. Collection method: clinical testing. Allele origin: germline. Affected: yes.

GeneDx
Classification: Uncertain significance. Last evaluated: 2023-12-27. Review status: criteria provided, single submitter. Criteria: GeneDx Variant Classification Process June 2021. Collection method: clinical testing. Allele origin: germline. Affected: yes.
Comment: Identified in a study evaluating clinical outcomes in patients with TGFBR2 and FBN1 variants; detailed clinical information was not provided (PMID: 19996017); Not observed at significant frequency in large population cohorts (gnomAD); In silico analysis supports that this missense variant has a deleterious effect on protein structure/function; This variant is associated with the following publications: (PMID: 19996017)

NM_003242.6(TGFBR2):c.1492C>A (p.Pro498Thr)

Gene: TGFBR2 (transforming growth factor beta receptor 2; plus strand). Cytogenetic location: 3p24.1.
Variant type: single nucleotide variant.
Coding change: c.1492C>A on transcript NM_003242.6 (MANE Select); coding-DNA position 1492, C replaced by A.
Protein change: p.Pro498Thr; replaces proline 498 with threonine.
Molecular consequence: missense variant.
Genome position (GRCh38, 1-based): chr3:30,688,479, C>A. VCF-style: chr3-30688479-C-A. GRCh37 (hg19) VCF-style: chr3-30729971-C-A.
Other names: c.1567C>A, p.Pro523Thr (NM_001024847.3); c.1675C>A, p.Pro559Thr (NM_001407126.1); c.1600C>A, p.Pro534Thr (NM_001407127.1); c.1519C>A, p.Pro507Thr (NM_001407128.1); c.1495C>A, p.Pro499Thr (NM_001407129.1); c.1489C>A, p.Pro497Thr (NM_001407130.1); c.1387C>A, p.Pro463Thr (NM_001407132.1, NM_001407133.1, NM_001407134.1 and 2 more transcripts); c.1207C>A, p.Pro403Thr (NM_001407137.1); and 2 more; short protein forms P208T, P378T, P403T, P463T, P497T, P498T, P499T, P507T.
Identifiers: ClinVar variation 3338880 (VCV003338880.2).